The following is an entry in ClinVar:

NM_002637.4(PHKA1):c.2050G>T (p.Gly684Ter)

Gene: PHKA1 (phosphorylase kinase regulatory subunit alpha 1; minus strand). Cytogenetic location: Xq13.1.
Variant type: single nucleotide variant.
Coding change: c.2050G>T on transcript NM_002637.4 (MANE Select); coding-DNA position 2050, G replaced by T.
Protein change: p.Gly684Ter; replaces glycine 684 with a stop codon.
Molecular consequence: nonsense. On other transcripts: intron variant (1).
Genome position (GRCh38, 1-based): chrX:72,620,812, C>A on the plus strand (G>T on the coding strand, the complement: PHKA1 is on the minus strand). VCF-style: chrX-72620812-C-A. GRCh37 (hg19) VCF-style: chrX-71840662-C-A.
Other names: c.2050G>T, p.Gly684Ter (NM_001122670.2); c.1961-1507G>T (NM_001172436.2); short protein forms G684*.
Identifiers: ClinVar variation 1711712 (VCV001711712.30), dbSNP rs2522486103, ClinGen allele CA413591070.

ClinVar aggregate classification (germline): Pathogenic (1 of 4 stars; one submission).

Submission:

CeGaT Center for Human Genetics Tuebingen
Classification: Pathogenic. Last evaluated: 2022-08-01. Review status: criteria provided, single submitter. Criteria: CeGaT Center For Human Genetics Tuebingen Variant Classification Criteria Version 2. Collection method: clinical testing. Allele origin: germline. Affected: yes. Observed: 1 variant allele.
Comment: PHKA1: PVS1, PM2